The following is an entry in ClinVar:

ClinVar aggregate classification (germline): Likely benign. Review status: criteria provided, single submitter (1 of 4 stars). 2 submissions from 2 submitters: Likely benign (1). 1 of the submissions does not count toward it. Last evaluated 2024-10-17.

Conditions:
SCRIB-related disorder. Also called: SCRIB-related condition.

Allele frequency attached by ClinVar (database versions not stated): 1000 Genomes Project 30x 0.00016; 1000 Genomes Project 0.00020; TOPMed 0.00087; gnomAD 0.00088; ExAC 0.00112; ESP Exome Variant Server 0.00138; gnomAD exomes 0.00145.

Submissions (2):

Blueprint Genetics
Classification: Likely benign. Last evaluated: 2024-10-17. Review status: criteria provided, single submitter. Criteria: ACMG Guidelines, 2015. Collection method: clinical testing. Allele origin: germline.

PreventionGenetics, part of Exact Sciences
Classification: Likely benign for SCRIB-related condition. Last evaluated: 2019-10-28. Review status: no assertion criteria provided. Collection method: clinical testing. Allele origin: germline. Not counted in ClinVar's aggregate classification.
Comment: This variant is classified as likely benign based on ACMG/AMP sequence variant interpretation guidelines (Richards et al. 2015 PMID: 25741868, with internal and published modifications).

NM_182706.5(SCRIB):c.1128G>A (p.Ala376=)

Gene: SCRIB (scribble planar cell polarity protein; minus strand). Cytogenetic location: 8q24.3.
Variant type: single nucleotide variant.
Coding change: c.1128G>A on transcript NM_182706.5 (MANE Select); coding-DNA position 1128, G replaced by A.
Protein change: p.Ala376=; no amino-acid change (alanine 376 retained).
Molecular consequence: synonymous variant.
Genome position (GRCh38, 1-based): chr8:143,811,051, C>T on the plus strand (G>A on the coding strand, the complement: SCRIB is on the minus strand). VCF-style: chr8-143811051-C-T. GRCh37 (hg19) VCF-style: chr8-144893221-C-T.
Other names: c.1128G>A, p.Ala376= (NM_015356.5).
Identifiers: ClinVar variation 3045803 (VCV003045803.3), dbSNP rs146561937, ClinGen allele CA187611159.